The following is an entry in ClinVar:

NM_004260.4(RECQL4):c.2345A>G (p.Asp782Gly)

Gene: RECQL4 (RecQ like helicase 4; minus strand). Cytogenetic location: 8q24.3.
Variant type: single nucleotide variant.
Coding change: c.2345A>G on transcript NM_004260.4 (MANE Select); coding-DNA position 2345, A replaced by G.
Protein change: p.Asp782Gly; replaces aspartic acid 782 with glycine.
Molecular consequence: missense variant. On other transcripts: non-coding transcript variant (3), intron variant (3).
Genome position (GRCh38, 1-based): chr8:144,513,336, T>C on the plus strand (A>G on the coding strand, the complement: RECQL4 is on the minus strand). VCF-style: chr8-144513336-T-C. GRCh37 (hg19) VCF-style: chr8-145738719-T-C.
Other names: c.2169+80A>G (NM_001413017.1); c.2265+80A>G (NM_001413018.1); c.1194+80A>G (NM_001413038.1); c.2345A>G, p.Asp782Gly (NM_001413019.1, NM_001413036.1); c.2249A>G, p.Asp750Gly (NM_001413020.1); c.1274A>G, p.Asp425Gly (NM_001413021.1, NM_001413022.1, NM_001413023.1 and 5 more transcripts); c.2216A>G, p.Asp739Gly (NM_001413025.1); c.1208A>G, p.Asp403Gly (NM_001413027.1, NM_001413030.1, NM_001413032.1 and 1 more transcripts); and 7 more; short protein forms D359G, D381G, D403G, D425G, D665G, D750G, D738G, D739G.
Identifiers: ClinVar variation 3700638 (VCV003700638.2).
Genomic context (GRCh38, chr8:144,513,336, plus strand): 5'-ACGGCCTGCACGTAGCTCTCGAAGCTTGGGGGCAGCCCCAGATGCAGCACAGCCCGCACA[T>C]CTGGCCGGTCCAGCCCCATCCCAAAGGCCACCGTGGCCACCACCACCCGCAACTGGCCCT-3'
Protein context (NP_004251.4, residues 772-792): VAFGMGLDRP[Asp782Gly]VRAVLHLGLP

ClinVar aggregate classification (germline): Uncertain significance (1 of 4 stars; one submission).

Conditions:
Baller-Gerold syndrome (BGS). Also called: CRANIOSYNOSTOSIS WITH RADIAL DEFECTS. Identifiers: Orphanet 1225, MedGen C0265308, MONDO:0009039, OMIM 218600.

Submission:

Labcorp Genetics (formerly Invitae), Labcorp
Classification: Uncertain significance for Baller-Gerold syndrome. Last evaluated: 2025-01-22. Review status: criteria provided, single submitter. Criteria: Invitae Variant Classification Sherloc (09022015). Collection method: clinical testing. Allele origin: germline.
Comment: This sequence change replaces aspartic acid, which is acidic and polar, with glycine, which is neutral and non-polar, at codon 782 of the RECQL4 protein (p.Asp782Gly). This variant is not present in population databases (gnomAD no frequency). This variant has not been reported in the literature in individuals affected with RECQL4-related conditions. Invitae Evidence Modeling of protein sequence and biophysical properties (such as structural, functional, and spatial information, amino acid conservation, physicochemical variation, residue mobility, and thermodynamic stability) has been performed for this missense variant. However, the output from this modeling did not meet the statistical confidence thresholds required to predict the impact of this variant on RECQL4 protein function. In summary, the available evidence is currently insufficient to determine the role of this variant in disease. Therefore, it has been classified as a Variant of Uncertain Significance.